The following is an entry in ClinVar:

ClinVar aggregate classification (germline): Uncertain significance (1 of 4 stars; one submission).

Conditions:
Hepatoencephalopathy due to combined oxidative phosphorylation defect type 1. Also called: HEPATOENCEPHALOPATHY, EARLY FATAL PROGRESSIVE. Identifiers: Orphanet 137681, MedGen C1836797, MONDO:0012191, OMIM 609060.

Submission:

Baylor Genetics
Classification: Uncertain significance for Hepatoencephalopathy due to combined oxidative phosphorylation defect type 1. Last evaluated: 2019-06-13. Review status: criteria provided, single submitter. Criteria: ACMG Guidelines, 2015. Collection method: clinical testing. Allele origin: unknown. Affected: yes.
Comment: This variant was determined to be of uncertain significance according to ACMG Guidelines, 2015 [PMID:25741868].

NM_024996.7(GFM1):c.408A>T (p.Arg136Ser)

Gene: GFM1 (G elongation factor mitochondrial 1; plus strand). Cytogenetic location: 3q25.32.
Variant type: single nucleotide variant.
Coding change: c.408A>T on transcript NM_024996.7 (MANE Select); coding-DNA position 408, A replaced by T.
Protein change: p.Arg136Ser; replaces arginine 136 with serine.
Molecular consequence: missense variant. On other transcripts: non-coding transcript variant (3), intron variant (4).
Genome position (GRCh38, 1-based): chr3:158,646,783, A>T. VCF-style: chr3-158646783-A-T. GRCh37 (hg19) VCF-style: chr3-158364572-A-T.
Other names: c.408A>T, p.Arg136Ser (NM_001308164.2, NM_001308166.2, NM_001374355.1 and 1 more transcripts); c.183A>T, p.Arg61Ser (NM_001374357.1); c.5+1002A>T (NM_001374359.1, NM_001374360.1, NM_001374361.1); c.234+1002A>T (NM_001374358.1); short protein forms R61S, R136S.
Identifiers: ClinVar variation 1028358 (VCV001028358.1), dbSNP rs1721844379, ClinGen allele CA355175817.
Genomic context (GRCh38, chr3:158,646,783, plus strand): 5'-TCATACTTCATCTTATTCAGGGCATGTGGACTTCACAATAGAAGTGGAAAGGGCCCTGAG[A>T]GTGTTGGATGGTGCAGTCCTTGTTCTCTGTGCTGTTGGAGGGGTACAGTGCCAGACCATG-3'
Protein context (NP_079272.4, residues 126-146): DFTIEVERAL[Arg136Ser]VLDGAVLVLC